The following is an entry in ClinVar:

ClinVar aggregate classification (germline): Likely benign. Review status: criteria provided, multiple submitters, no conflicts (2 of 4 stars). 3 submissions from 3 submitters: Likely benign (3). Last evaluated 2025-11-01.

Conditions:
Cardiovascular phenotype. Identifiers: MedGen CN230736.
Long QT syndrome (LQTS). Identifiers: MedGen C0023976, MeSH D008133, MONDO:0002442. Disease mechanism: loss of function. Inheritance: Various modes of inheritance.

Submissions (3):

CeGaT Center for Human Genetics Tuebingen
Classification: Likely benign. Last evaluated: 2025-11-01. Review status: criteria provided, single submitter. Criteria: CeGaT Center For Human Genetics Tuebingen Variant Classification Criteria Version 2. Collection method: clinical testing. Allele origin: germline. Affected: yes. Observed: 1 variant allele.
Comment: CAV3: PM2:Supporting, BP4, BP7

Labcorp Genetics (formerly Invitae), Labcorp
Classification: Likely benign for Long QT syndrome. Last evaluated: 2023-05-03. Review status: criteria provided, single submitter. Criteria: Invitae Variant Classification Sherloc (09022015). Collection method: clinical testing. Allele origin: germline.

Ambry Genetics
Classification: Likely benign for Cardiovascular phenotype. Last evaluated: 2020-02-02. Review status: criteria provided, single submitter. Criteria: Ambry Variant Classification Scheme 2023. Collection method: clinical testing. Allele origin: germline.

NM_033337.3(CAV3):c.357C>T (p.His119=)

Genes: CAV3 (caveolin 3; plus strand), OXTR (oxytocin receptor; minus strand). Cytogenetic location: 3p25.3.
Variant type: single nucleotide variant.
Coding change: c.357C>T on transcript NM_033337.3 (MANE Select); coding-DNA position 357, C replaced by T.
Protein change: p.His119=; no amino-acid change (histidine 119 retained).
Molecular consequence: synonymous variant.
Genome position (GRCh38, 1-based): chr3:8,745,768, C>T. VCF-style: chr3-8745768-C-T. GRCh37 (hg19) VCF-style: chr3-8787454-C-T.
Other names: c.357C>T, p.His119= (NM_001234.5).
Identifiers: ClinVar variation 1732878 (VCV001732878.11), dbSNP rs1575477934, ClinGen allele CA432526422.